The following is an entry in ClinVar:

NM_001458.5(FLNC):c.5836A>G (p.Ile1946Val)

Genes: FLNC (filamin C; plus strand), FLNC-AS1 (FLNC antisense RNA 1; minus strand). Cytogenetic location: 7q32.1.
Variant type: single nucleotide variant.
Coding change: c.5836A>G on transcript NM_001458.5 (MANE Select); coding-DNA position 5836, A replaced by G.
Protein change: p.Ile1946Val; replaces isoleucine 1946 with valine.
Molecular consequence: missense variant.
Genome position (GRCh38, 1-based): chr7:128,851,622, A>G. VCF-style: chr7-128851622-A-G. GRCh37 (hg19) VCF-style: chr7-128491676-A-G.
Other names: c.5737A>G, p.Ile1913Val (NM_001127487.2); c.5836A>G (NM_001458.4); short protein forms I1946V, I1913V.
Identifiers: ClinVar variation 1357892 (VCV001357892.9), dbSNP rs2128938499, ClinGen allele CA369208664.

ClinVar aggregate classification (germline): Uncertain significance. Review status: criteria provided, multiple submitters, no conflicts (2 of 4 stars). 2 submissions from 2 submitters: Uncertain significance (2). Last evaluated 2025-01-28.

Conditions:
Cardiovascular phenotype. Identifiers: MedGen CN230736.
Distal myopathy with posterior leg and anterior hand involvement. Also called: WILLIAMS DISTAL MYOPATHY. Identifiers: Orphanet 63273, MedGen C3279722, MONDO:0013550, OMIM 614065.
Myofibrillar myopathy 5. Also called: Filaminopathy (type); FILAMINOPATHY, AUTOSOMAL DOMINANT. Identifiers: Orphanet 171445, MedGen C1836050, MONDO:0012289, OMIM 609524.
Hypertrophic cardiomyopathy 26. Also called: Cardiomyopathy, familial hypertrophic, 26. Identifiers: Orphanet 75249, MedGen C4310749, MONDO:0014883, OMIM 617047.

Allele frequency attached by ClinVar (database versions not stated): gnomAD exomes below 0.00001.
gnomAD v4.1: 1 of 1,613,844 alleles (0.000062%); highest among the groups gnomAD compares: Non-Finnish European, 0.000085%; no homozygotes.

Submissions (2):

Labcorp Genetics (formerly Invitae), Labcorp
Classification: Uncertain significance for Distal myopathy with posterior leg and anterior hand involvement; Myofibrillar myopathy 5; Hypertrophic cardiomyopathy 26. Last evaluated: 2025-01-28. Review status: criteria provided, single submitter. Criteria: Invitae Variant Classification Sherloc (09022015). Collection method: clinical testing. Allele origin: germline.
Comment: This sequence change replaces isoleucine, which is neutral and non-polar, with valine, which is neutral and non-polar, at codon 1946 of the FLNC protein (p.Ile1946Val). This variant is not present in population databases (gnomAD no frequency). This variant has not been reported in the literature in individuals affected with FLNC-related conditions. ClinVar contains an entry for this variant (Variation ID: 1357892). Invitae Evidence Modeling of protein sequence and biophysical properties (such as structural, functional, and spatial information, amino acid conservation, physicochemical variation, residue mobility, and thermodynamic stability) has been performed for this missense variant. However, the output from this modeling did not meet the statistical confidence thresholds required to predict the impact of this variant on FLNC protein function. In summary, the available evidence is currently insufficient to determine the role of this variant in disease. Therefore, it has been classified as a Variant of Uncertain Significance.

Ambry Genetics
Classification: Uncertain significance for Cardiovascular phenotype. Last evaluated: 2024-03-13. Review status: criteria provided, single submitter. Criteria: Ambry Variant Classification Scheme 2023. Collection method: clinical testing. Allele origin: germline.
Comment: The p.I1946V variant (also known as c.5836A>G), located in coding exon 35 of the FLNC gene, results from an A to G substitution at nucleotide position 5836. The isoleucine at codon 1946 is replaced by valine, an amino acid with highly similar properties. This amino acid position is conserved. In addition, the in silico prediction for this alteration is inconclusive. Based on the available evidence, the clinical significance of this alteration remains unclear.